The following is an entry in ClinVar:

NM_001349798.2(FBXW7):c.1282C>A (p.Gln428Lys)

Gene: FBXW7 (F-box and WD repeat domain containing 7; minus strand). Cytogenetic location: 4q31.3.
Variant type: single nucleotide variant.
Coding change: c.1282C>A on transcript NM_001349798.2 (MANE Select); coding-DNA position 1282, C replaced by A.
Protein change: p.Gln428Lys; replaces glutamine 428 with lysine.
Molecular consequence: missense variant.
Genome position (GRCh38, 1-based): chr4:152,328,344, G>T on the plus strand (C>A on the coding strand, the complement: FBXW7 is on the minus strand). VCF-style: chr4-152328344-G-T. GRCh37 (hg19) VCF-style: chr4-153249496-G-T.
Other names: c.928C>A, p.Gln310Lys (NM_001013415.2); c.1042C>A, p.Gln348Lys (NM_018315.5); c.1282C>A, p.Gln428Lys (NM_033632.3); short protein forms Q428K, Q310K, Q348K.
Identifiers: ClinVar variation 3572710 (VCV003572710.1).

ClinVar aggregate classification (germline): Uncertain significance (1 of 4 stars; one submission).

Submission:

GeneDx
Classification: Uncertain significance. Last evaluated: 2024-07-09. Review status: criteria provided, single submitter. Criteria: GeneDx Variant Classification Process June 2021. Collection method: clinical testing. Allele origin: germline. Affected: yes.
Comment: Not observed at significant frequency in large population cohorts (gnomAD); In silico analysis supports that this missense variant has a deleterious effect on protein structure/function; Has not been previously published as pathogenic or benign to our knowledge